The following is an entry in ClinVar:

ClinVar aggregate classification (germline): Uncertain significance (1 of 4 stars; one submission).

Conditions:
Bardet-Biedl syndrome (BBS). Identifiers: Orphanet 110, MedGen C0752166, MONDO:0015229.

Allele frequency attached by ClinVar (database versions not stated): gnomAD exomes 0.00001.

Submission:

Labcorp Genetics (formerly Invitae), Labcorp
Classification: Uncertain significance for Bardet-Biedl syndrome. Last evaluated: 2023-12-11. Review status: criteria provided, single submitter. Criteria: Invitae Variant Classification Sherloc (09022015). Collection method: clinical testing. Allele origin: germline.
Comment: This sequence change replaces alanine, which is neutral and non-polar, with glycine, which is neutral and non-polar, at codon 8 of the BBS10 protein (p.Ala8Gly). This variant is not present in population databases (gnomAD no frequency). This variant has not been reported in the literature in individuals affected with BBS10-related conditions. ClinVar contains an entry for this variant (Variation ID: 1430636). Advanced modeling of protein sequence and biophysical properties (such as structural, functional, and spatial information, amino acid conservation, physicochemical variation, residue mobility, and thermodynamic stability) performed at Invitae indicates that this missense variant is not expected to disrupt BBS10 protein function with a negative predictive value of 80%. In summary, the available evidence is currently insufficient to determine the role of this variant in disease. Therefore, it has been classified as a Variant of Uncertain Significance.

NM_024685.4(BBS10):c.23C>G (p.Ala8Gly)

Gene: BBS10 (Bardet-Biedl syndrome 10; minus strand). Cytogenetic location: 12q21.2.
Variant type: single nucleotide variant.
Coding change: c.23C>G on transcript NM_024685.4 (MANE Select); coding-DNA position 23, C replaced by G.
Protein change: p.Ala8Gly; replaces alanine 8 with glycine.
Molecular consequence: missense variant.
Genome position (GRCh38, 1-based): chr12:76,348,336, G>C on the plus strand (C>G on the coding strand, the complement: BBS10 is on the minus strand). VCF-style: chr12-76348336-G-C. GRCh37 (hg19) VCF-style: chr12-76742116-G-C.
Other names: short protein forms A8G.
Identifiers: ClinVar variation 1430636 (VCV001430636.6), dbSNP rs1216242140, ClinGen allele CA385816447.